The following is an entry in ClinVar:

NM_006947.4(SRP72):c.1897A>G (p.Thr633Ala)

Gene: SRP72 (signal recognition particle 72; plus strand). Cytogenetic location: 4q12.
Variant type: single nucleotide variant.
Coding change: c.1897A>G on transcript NM_006947.4 (MANE Select); coding-DNA position 1897, A replaced by G.
Protein change: p.Thr633Ala; replaces threonine 633 with alanine.
Molecular consequence: missense variant. On other transcripts: non-coding transcript variant (1).
Genome position (GRCh38, 1-based): chr4:56,501,742, A>G. VCF-style: chr4-56501742-A-G. GRCh37 (hg19) VCF-style: chr4-57367908-A-G.
Other names: c.1714A>G, p.Thr572Ala (NM_001267722.2); short protein forms T572A, T633A.
Identifiers: ClinVar variation 3962103 (VCV003962103.1).

ClinVar aggregate classification (germline): Uncertain significance (1 of 4 stars; one submission).

Submission:

Ambry Genetics
Classification: Uncertain significance. Last evaluated: 2025-05-16. Review status: criteria provided, single submitter. Criteria: Ambry Variant Classification Scheme 2023. Collection method: clinical testing. Allele origin: germline.
Comment: The p.T633A variant (also known as c.1897A>G), located in coding exon 19 of the SRP72 gene, results from an A to G substitution at nucleotide position 1897. The threonine at codon 633 is replaced by alanine, an amino acid with similar properties. This amino acid position is conserved. In addition, this alteration is predicted to be tolerated by in silico analysis. Based on the available evidence, the clinical significance of this variant remains unclear.